The following is an entry in ClinVar:

NM_007327.4(GRIN1):c.2684G>C (p.Arg895Thr)

Gene: GRIN1 (glutamate ionotropic receptor NMDA type subunit 1; plus strand). Cytogenetic location: 9q34.3.
Variant type: single nucleotide variant.
Coding change: c.2684G>C on transcript NM_007327.4 (MANE Select); coding-DNA position 2684, G replaced by C.
Protein change: p.Arg895Thr; replaces arginine 895 with threonine.
Molecular consequence: missense variant. On other transcripts: intron variant (4).
Genome position (GRCh38, 1-based): chr9:137,165,280, G>C. VCF-style: chr9-137165280-G-C. GRCh37 (hg19) VCF-style: chr9-140059732-G-C.
Other names: c.2747G>C, p.Arg916Thr (NM_001185090.2, NM_001437330.1); c.2652+1376G>C (NM_001437331.1, NM_001185091.2); c.2589+1376G>C (NM_021569.4, NM_000832.7); short protein forms R916T, R895T.
Identifiers: ClinVar variation 4995200 (VCV004995200.1).
Genomic context (GRCh38, chr9:137,165,280, plus strand): 5'-AAAAGAAAGCCACATTTAGGGCTATCACCTCCACCCTGGCTTCCAGCTTCAAGAGGCGTA[G>C]GTCCTCCAAAGACACGGTAAGGGGGAGAGCACCCCAGTCCCGCGTCCGACTCCACCTGCC-3'
Protein context (NP_015566.1, residues 885-905): STLASSFKRR[Arg895Thr]SSKDTSTGGG

ClinVar aggregate classification (germline): Uncertain significance (1 of 4 stars; one submission).

Conditions:
GRIN1-related disorder. Also called: GRIN1-related condition.

Submission:

PreventionGenetics, part of Exact Sciences
Classification: Uncertain significance for GRIN1-related condition. Last evaluated: 2025-09-16. Review status: criteria provided, single submitter. Criteria: ACMG Guidelines, 2015. Collection method: clinical testing. Allele origin: germline.
Comment: The GRIN1 c.2684G>C variant is predicted to result in the amino acid substitution p.Arg895Thr. To our knowledge, this variant has not been reported in the literature or in a large population database (gnomAD), indicating this variant is rare. At this time, the clinical significance of this variant is uncertain due to the absence of conclusive functional and genetic evidence.